The following is an entry in ClinVar:

ClinVar aggregate classification (germline): Uncertain significance (1 of 4 stars; one submission).

Allele frequency attached by ClinVar (database versions not stated): TOPMed below 0.00001.

Submission:

GeneDx
Classification: Uncertain significance. Last evaluated: 2023-02-14. Review status: criteria provided, single submitter. Criteria: GeneDx Variant Classification Process June 2021. Collection method: clinical testing. Allele origin: germline. Affected: yes.
Comment: Not observed at significant frequency in large population cohorts (gnomAD); In silico analysis supports that this missense variant does not alter protein structure/function; Has not been previously published as pathogenic or benign to our knowledge

NM_032436.4(CHAMP1):c.1522C>A (p.Pro508Thr)

Gene: CHAMP1 (chromosome alignment maintaining phosphoprotein 1; plus strand). Cytogenetic location: 13q34.
Variant type: single nucleotide variant.
Coding change: c.1522C>A on transcript NM_032436.4 (MANE Select); coding-DNA position 1522, C replaced by A.
Protein change: p.Pro508Thr; replaces proline 508 with threonine.
Molecular consequence: missense variant.
Genome position (GRCh38, 1-based): chr13:114,325,364, C>A. VCF-style: chr13-114325364-C-A. GRCh37 (hg19) VCF-style: chr13-115090839-C-A.
Other names: c.1522C>A, p.Pro508Thr (NM_001164144.3, NM_001164145.3); short protein forms P508T.
Identifiers: ClinVar variation 2575594 (VCV002575594.1), dbSNP rs2087233577, ClinGen allele CA388848847.